The following is an entry in ClinVar:

ClinVar aggregate classification (germline): Uncertain significance (1 of 4 stars; one submission).

Conditions:
MYH11-related disorder. Also called: MYH11-related condition.

gnomAD v4.1: 1 of 1,614,002 alleles (0.000062%); highest among the groups gnomAD compares: Non-Finnish European, 0.000085%; no homozygotes.

Submission:

PreventionGenetics, part of Exact Sciences
Classification: Uncertain significance for MYH11-related condition. Last evaluated: 2025-04-17. Review status: criteria provided, single submitter. Criteria: ACMG Guidelines, 2015. Collection method: clinical testing. Allele origin: germline.
Comment: The MYH11 c.2302T>G variant is predicted to result in the amino acid substitution p.Tyr768Asp. To our knowledge, this variant has not been reported in the literature or in a large population database (gnomAD), indicating this variant is rare. At this time, the clinical significance of this variant is uncertain due to the absence of conclusive functional and genetic evidence.

NM_002474.3(MYH11):c.2281T>G (p.Tyr761Asp)

Gene: MYH11 (myosin heavy chain 11; minus strand). Cytogenetic location: 16p13.11.
Variant type: single nucleotide variant.
Coding change: c.2281T>G on transcript NM_002474.3 (MANE Select); coding-DNA position 2281, T replaced by G.
Protein change: p.Tyr761Asp; replaces tyrosine 761 with aspartic acid.
Molecular consequence: missense variant.
Genome position (GRCh38, 1-based): chr16:15,747,700, A>C on the plus strand (T>G on the coding strand, the complement: MYH11 is on the minus strand). VCF-style: chr16-15747700-A-C. GRCh37 (hg19) VCF-style: chr16-15841557-A-C.
Other names: c.2302T>G, p.Tyr768Asp (NM_001040113.2, NM_001040114.2); c.2281T>G, p.Tyr761Asp (NM_022844.3); short protein forms Y768D, Y761D.
Identifiers: ClinVar variation 4999835 (VCV004999835.1).